The following is an entry in ClinVar:

ClinVar aggregate classification (germline): Uncertain significance (1 of 4 stars; one submission).

Submission:

Labcorp Genetics (formerly Invitae), Labcorp
Classification: Uncertain significance. Last evaluated: 2023-04-06. Review status: criteria provided, single submitter. Criteria: Invitae Variant Classification Sherloc (09022015). Collection method: clinical testing. Allele origin: germline.
Comment: This sequence change affects a donor splice site in intron 48 of the POLE gene. While this variant is not anticipated to result in nonsense mediated decay, it likely alters RNA splicing and results in a disrupted protein product. This variant is not present in population databases (gnomAD no frequency). This variant has not been reported in the literature in individuals affected with POLE-related conditions. Variants that disrupt the consensus splice site are a relatively common cause of aberrant splicing (PMID: 17576681, 9536098). Algorithms developed to predict the effect of sequence changes on RNA splicing suggest that this variant may disrupt the consensus splice site. In summary, the available evidence is currently insufficient to determine the role of this variant in disease. Therefore, it has been classified as a Variant of Uncertain Significance.

Literature cited by the submitters: PubMed 17576681; PubMed 9536098.

NM_006231.4(POLE):c.6747+1G>C

Gene: POLE (DNA polymerase epsilon, catalytic subunit; minus strand). Cytogenetic location: 12q24.33.
Variant type: single nucleotide variant.
Coding change: c.6747+1G>C on transcript NM_006231.4 (MANE Select); the canonical splice donor site of the intron after coding-DNA position 6747, G replaced by C.
Molecular consequence: splice donor variant.
Genome position (GRCh38, 1-based): chr12:132,624,904, C>G on the plus strand (G>C on the coding strand, the complement: POLE is on the minus strand). VCF-style: chr12-132624904-C-G. GRCh37 (hg19) VCF-style: chr12-133201490-C-G.
Identifiers: ClinVar variation 2852354 (VCV002852354.3), dbSNP rs2138422722, ClinGen allele CA387365969.